The following is an entry in ClinVar:

ClinVar aggregate classification (germline): Uncertain significance. Review status: criteria provided, multiple submitters, no conflicts (2 of 4 stars). 2 submissions from 2 submitters: Uncertain significance (2). Last evaluated 2025-08-10.

gnomAD v4.1: 18 of 1,608,370 alleles (0.0011%); highest among the groups gnomAD compares: Middle Eastern, 0.017%; no homozygotes.

Submissions (2):

Ambry Genetics
Classification: Uncertain significance. Last evaluated: 2025-08-10. Review status: criteria provided, single submitter. Criteria: Ambry Variant Classification Scheme 2023. Collection method: clinical testing. Allele origin: germline.

Labcorp Genetics (formerly Invitae), Labcorp
Classification: Uncertain significance. Last evaluated: 2024-01-27. Review status: criteria provided, single submitter. Criteria: Invitae Variant Classification Sherloc (09022015). Collection method: clinical testing. Allele origin: germline.
Comment: This sequence change replaces histidine, which is basic and polar, with glutamine, which is neutral and polar, at codon 2257 of the FBN3 protein (p.His2257Gln). This variant is present in population databases (rs753316502, gnomAD 0.005%). This variant has not been reported in the literature in individuals affected with FBN3-related conditions. ClinVar contains an entry for this variant (Variation ID: 1940714). Algorithms developed to predict the effect of missense changes on protein structure and function output the following: SIFT: "Not Available"; PolyPhen-2: "Benign"; Align-GVGD: "Not Available". The glutamine amino acid residue is found in multiple mammalian species, which suggests that this missense change does not adversely affect protein function. In summary, the available evidence is currently insufficient to determine the role of this variant in disease. Therefore, it has been classified as a Variant of Uncertain Significance.

NM_032447.5(FBN3):c.6771C>G (p.His2257Gln)

Gene: FBN3 (fibrillin 3; minus strand). Cytogenetic location: 19p13.2.
Variant type: single nucleotide variant.
Coding change: c.6771C>G on transcript NM_032447.5 (MANE Select); coding-DNA position 6771, C replaced by G.
Protein change: p.His2257Gln; replaces histidine 2257 with glutamine.
Molecular consequence: missense variant.
Genome position (GRCh38, 1-based): chr19:8,086,309, G>C on the plus strand (C>G on the coding strand, the complement: FBN3 is on the minus strand). VCF-style: chr19-8086309-G-C. GRCh37 (hg19) VCF-style: chr19-8151193-G-C.
Other names: c.6771C>G (NM_032447.3); c.6771C>G, p.His2257Gln (NM_001321431.2); short protein forms H2257Q.
Identifiers: ClinVar variation 1940714 (VCV001940714.6), dbSNP rs753316502, ClinGen allele CA9151120.
Genomic context (GRCh38, chr19:8,086,309, plus strand): 5'-GCACCGGAAGCTGCCCGCGGTGTTGACACAGCGGCCGTTGACACAGAGGTCAGGCTGAGC[G>C]TGGCATTCATTGTCATCTGAGATGGGAGGGGTGAGGCAGGTGGGCGGGGAGGCCACAGGC-3'
Protein context (NP_115823.3, residues 2247-2267): GEGCTDDNEC[His2257Gln]AQPDLCVNGR